The following is an entry in ClinVar:

NM_001330700.2(TOP2B):c.3288A>C (p.Gln1096His)

Gene: TOP2B (DNA topoisomerase II beta; minus strand). Cytogenetic location: 3p24.2.
Variant type: single nucleotide variant.
Coding change: c.3288A>C on transcript NM_001330700.2 (MANE Select); coding-DNA position 3288, A replaced by C.
Protein change: p.Gln1096His; replaces glutamine 1096 with histidine.
Molecular consequence: missense variant.
Genome position (GRCh38, 1-based): chr3:25,618,481, T>G on the plus strand (A>C on the coding strand, the complement: TOP2B is on the minus strand). VCF-style: chr3-25618481-T-G. GRCh37 (hg19) VCF-style: chr3-25659972-T-G.
Other names: c.3273A>C, p.Gln1091His (NM_001068.3); short protein forms Q1096H, Q1091H.
Identifiers: ClinVar variation 1442404 (VCV001442404.8), dbSNP rs371050869, ClinGen allele CA2288337.

ClinVar aggregate classification (germline): Uncertain significance (1 of 4 stars; one submission).

Allele frequency attached by ClinVar (database versions not stated): TOPMed 0.00001; ESP Exome Variant Server 0.00008.
gnomAD v4.1: 80 of 1,612,696 alleles (0.005%); highest among the groups gnomAD compares: Admixed American, 0.0067%; no homozygotes.

Submission:

Labcorp Genetics (formerly Invitae), Labcorp
Classification: Uncertain significance. Last evaluated: 2025-03-17. Review status: criteria provided, single submitter. Criteria: Invitae Variant Classification Sherloc (09022015). Collection method: clinical testing. Allele origin: germline.
Comment: This sequence change replaces glutamine, which is neutral and polar, with histidine, which is basic and polar, at codon 1091 of the TOP2B protein (p.Gln1091His). This variant is present in population databases (rs371050869, gnomAD 0.006%). This variant has not been reported in the literature in individuals affected with TOP2B-related conditions. ClinVar contains an entry for this variant (Variation ID: 1442404). An algorithm developed to predict the effect of missense changes on protein structure and function (PolyPhen-2) suggests that this variant is likely to be tolerated. In summary, the available evidence is currently insufficient to determine the role of this variant in disease. Therefore, it has been classified as a Variant of Uncertain Significance.